The following is an entry in ClinVar:

NM_182914.3(SYNE2):c.12370G>T (p.Val4124Leu)

Gene: SYNE2 (spectrin repeat containing nuclear envelope protein 2; plus strand). Cytogenetic location: 14q23.2.
Variant type: single nucleotide variant.
Coding change: c.12370G>T on transcript NM_182914.3 (MANE Select); coding-DNA position 12370, G replaced by T.
Protein change: p.Val4124Leu; replaces valine 4124 with leucine.
Molecular consequence: missense variant.
Genome position (GRCh38, 1-based): chr14:64,098,810, G>T. VCF-style: chr14-64098810-G-T. GRCh37 (hg19) VCF-style: chr14-64565528-G-T.
Other names: c.12370G>T, p.Val4124Leu (NM_015180.6); short protein forms V4124L.
Identifiers: ClinVar variation 313571 (VCV000313571.14), dbSNP rs370255444, ClinGen allele CA7222098.
Genomic context (GRCh38, chr14:64,098,810, plus strand): 5'-AACAGAAGAGGCTCCATGTCTTACCTGGCAGCAGTCGAGGAAGAGGTGGAAGAAAGTTCC[G>T]TGAAGAGCGATGTAAGGGAAATGATTTTCTTGTTAAAGTTTGTTAGAACCAGATCTCTAA-3'
Protein context (NP_878918.2, residues 4114-4134): AVEEEVEESS[Val4124Leu]KSDNGDEKAE

ClinVar aggregate classification (germline): Conflicting classifications of pathogenicity. Review status: criteria provided, conflicting classifications (1 of 4 stars). 4 submissions from 4 submitters: Uncertain significance (1); Likely benign (1). 2 of the submissions do not count toward it. Last evaluated 2025-07-25.

Conditions:
Emery-Dreifuss muscular dystrophy 5, autosomal dominant (EDMD5). Also called: EMERY-DREIFUSS MUSCULAR DYSTROPHY 5. Identifiers: Orphanet 261, MedGen C2751805, MONDO:0013072, OMIM 612999.

Allele frequency attached by ClinVar (database versions not stated): TOPMed 0.00009; ESP Exome Variant Server 0.00015; gnomAD 0.00019; 1000 Genomes Project 0.00020; 1000 Genomes Project 30x 0.00031.
gnomAD v4.1: 143 of 1,614,082 alleles (0.0089%); highest among the groups gnomAD compares: Middle Eastern, 0.099%; 1 homozygote.

Submissions (4):

Labcorp Genetics (formerly Invitae), Labcorp
Classification: Uncertain significance for Emery-Dreifuss muscular dystrophy 5, autosomal dominant. Last evaluated: 2025-07-25. Review status: criteria provided, single submitter. Criteria: Invitae Variant Classification Sherloc (09022015). Collection method: clinical testing. Allele origin: germline.
Comment: This sequence change replaces valine, which is neutral and non-polar, with leucine, which is neutral and non-polar, at codon 4124 of the SYNE2 protein (p.Val4124Leu). This variant is present in population databases (rs370255444, gnomAD 0.02%). This variant has not been reported in the literature in individuals affected with SYNE2-related conditions. ClinVar contains an entry for this variant (Variation ID: 313571). An algorithm developed to predict the effect of missense changes on protein structure and function outputs the following: PolyPhen-2: "Benign". The leucine amino acid residue is found in multiple mammalian species, which suggests that this missense change does not adversely affect protein function. In summary, the available evidence is currently insufficient to determine the role of this variant in disease. Therefore, it has been classified as a Variant of Uncertain Significance.

Ambry Genetics
Classification: Likely benign. Last evaluated: 2023-09-22. Review status: criteria provided, single submitter. Criteria: Ambry Variant Classification Scheme 2023. Collection method: clinical testing. Allele origin: germline.

Clinical Genetics DNA and cytogenetics Diagnostics Lab, Erasmus MC, Erasmus Medical Center
Classification: Likely benign. Review status: no assertion criteria provided. Collection method: clinical testing. Allele origin: germline. Affected: yes. Study: VKGL Data-share Consensus. Not counted in ClinVar's aggregate classification.

Joint Genome Diagnostic Labs from Nijmegen and Maastricht, Radboudumc and MUMC+
Classification: Likely benign. Review status: no assertion criteria provided. Collection method: clinical testing. Allele origin: germline. Affected: yes. Study: VKGL Data-share Consensus. Not counted in ClinVar's aggregate classification.